The following is an entry in ClinVar:

NM_002691.4(POLD1):c.1686+10C>A

Gene: POLD1 (DNA polymerase delta 1, catalytic subunit; plus strand). Cytogenetic location: 19q13.33.
Variant type: single nucleotide variant.
Coding change: c.1686+10C>A on transcript NM_002691.4 (MANE Select); 10 bases into the intron after coding-DNA position 1686, C replaced by A.
Molecular consequence: intron variant.
Genome position (GRCh38, 1-based): chr19:50,407,184, C>A. VCF-style: chr19-50407184-C-A. GRCh37 (hg19) VCF-style: chr19-50910441-C-A.
Other names: c.1686+10C>A (NM_001256849.1, NM_001308632.1).
Identifiers: ClinVar variation 3904167 (VCV003904167.1).

ClinVar aggregate classification (germline): Likely benign (1 of 4 stars; one submission).

Conditions:
POLD1-related polyposis and colorectal cancer syndrome (CRCS10). Also called: Colorectal cancer 10; COLORECTAL CANCER, SUSCEPTIBILITY TO, ON CHROMOSOME 19q; Colorectal cancer, susceptibility to, 10. Identifiers: Orphanet 220460, MedGen C2675481, MONDO:0012953, OMIM 612591.

Submission:

Myriad Genetics, Inc.
Classification: Likely benign for POLD1-related polyposis and colorectal cancer syndrome. Last evaluated: 2025-02-07. Review status: criteria provided, single submitter. Criteria: Myriad Autosomal Dominant, Autosomal Recessive and X-Linked Classification Criteria (2023). Collection method: clinical testing. Allele origin: unknown.
Comment: This variant is considered likely benign. This variant is intronic and is not expected to impact mRNA splicing.